The following is an entry in ClinVar:

NM_001009944.3(PKD1):c.1312G>A (p.Ala438Thr)

Gene: PKD1 (polycystin 1, transient receptor potential channel interacting; minus strand). Cytogenetic location: 16p13.3.
Variant type: single nucleotide variant.
Coding change: c.1312G>A on transcript NM_001009944.3 (MANE Select); coding-DNA position 1312, G replaced by A.
Protein change: p.Ala438Thr; replaces alanine 438 with threonine.
Molecular consequence: missense variant.
Genome position (GRCh38, 1-based): chr16:2,117,562, C>T on the plus strand (G>A on the coding strand, the complement: PKD1 is on the minus strand). VCF-style: chr16-2117562-C-T. GRCh37 (hg19) VCF-style: chr16-2167563-C-T.
Other names: c.1312G>A, p.Ala438Thr (NM_000296.4); short protein forms A438T.
Identifiers: ClinVar variation 3896031 (VCV003896031.1).
Genomic context (GRCh38, chr16:2,117,562, plus strand): 5'-AGACCAGGAAGCGCTGCACGGCGGGACTGTCCACCATTGCCAGGGCGGCCCCGGCCCAGG[C>T]CTGACACTGCTCCTGCGCCTGCAGCCAGGCCGCCTTCTCCACCACCAGGCGGTAGCAGTG-3'
Protein context (NP_001009944.3, residues 428-448): AWLQAQEQCQ[Ala438Thr]WAGAALAMVD

ClinVar aggregate classification (germline): Uncertain significance (1 of 4 stars; one submission).

gnomAD v4.1: 13 of 1,605,214 alleles (0.00081%); highest among the groups gnomAD compares: African/African-American, 0.015%; no homozygotes.

Submission:

Women's Health and Genetics/Laboratory Corporation of America, LabCorp
Classification: Uncertain significance. Last evaluated: 2025-03-21. Review status: criteria provided, single submitter. Criteria: LabCorp Variant Classification Summary - May 2015. Collection method: clinical testing. Allele origin: germline.
Comment: Variant summary: PKD1 c.1312G>A (p.Ala438Thr) results in a non-conservative amino acid change in the encoded protein sequence. Four of five in-silico tools predict a benign effect of the variant on protein function. The variant allele was found at a frequency of 4.7e-06 in 213750 control chromosomes. The available data on variant occurrences in the general population are insufficient to allow any conclusion about variant significance. To our knowledge, no occurrence of c.1312G>A in individuals affected with PKD1-Biallelic Autosomal Recessive Polycystic Kidney Disease and no experimental evidence demonstrating its impact on protein function have been reported. No submitters have cited clinical-significance assessments for this variant to ClinVar. Based on the evidence outlined above, the variant was classified as uncertain significance.